The following is an entry in ClinVar:

NM_147127.5(EVC2):c.3325A>G (p.Met1109Val)

Gene: EVC2 (EvC ciliary complex subunit 2; minus strand). Cytogenetic location: 4p16.2.
Variant type: single nucleotide variant.
Coding change: c.3325A>G on transcript NM_147127.5 (MANE Select); coding-DNA position 3325, A replaced by G.
Protein change: p.Met1109Val; replaces methionine 1109 with valine.
Molecular consequence: missense variant.
Genome position (GRCh38, 1-based): chr4:5,574,720, T>C on the plus strand (A>G on the coding strand, the complement: EVC2 is on the minus strand). VCF-style: chr4-5574720-T-C. GRCh37 (hg19) VCF-style: chr4-5576447-T-C.
Other names: c.3085A>G, p.Met1029Val (NM_001166136.2); short protein forms M1029V, M1109V.
Identifiers: ClinVar variation 2061342 (VCV002061342.3), dbSNP rs368739188, ClinGen allele CA2834364.

ClinVar aggregate classification (germline): Uncertain significance. Review status: criteria provided, multiple submitters, no conflicts (2 of 4 stars). 2 submissions from 2 submitters: Uncertain significance (2). Last evaluated 2024-12-02.

Conditions:
Inborn genetic diseases. Identifiers: MedGen C0950123, MeSH D030342.
Ellis-van Creveld syndrome (EVC). Also called: Chondroectodermal dysplasia; MESOECTODERMAL DYSPLASIA; EVC-Related Ellis-van Creveld Syndrome; EVC2-Related Ellis-van Creveld Syndrome. Identifiers: Orphanet 289, MedGen C0013903, MONDO:0009162, OMIM 225500.
Curry-Hall syndrome (WAD). Also called: WEYERS ACRODENTAL DYSOSTOSIS. Identifiers: Orphanet 952, MedGen C0457013, MONDO:0008673, OMIM 193530.

Allele frequency attached by ClinVar (database versions not stated): gnomAD 0.00001; TOPMed 0.00002; ESP Exome Variant Server 0.00008.

Submissions (2):

Labcorp Genetics (formerly Invitae), Labcorp
Classification: Uncertain significance for Curry-Hall syndrome; Ellis-van Creveld syndrome. Last evaluated: 2024-12-02. Review status: criteria provided, single submitter. Criteria: Invitae Variant Classification Sherloc (09022015). Collection method: clinical testing. Allele origin: germline.
Comment: This sequence change replaces methionine, which is neutral and non-polar, with valine, which is neutral and non-polar, at codon 1109 of the EVC2 protein (p.Met1109Val). This variant is present in population databases (rs368739188, gnomAD 0.01%). This variant has not been reported in the literature in individuals affected with EVC2-related conditions. ClinVar contains an entry for this variant (Variation ID: 2061342). An algorithm developed to predict the effect of missense changes on protein structure and function outputs the following: PolyPhen-2: "Benign". The valine amino acid residue is found in multiple mammalian species, which suggests that this missense change does not adversely affect protein function. In summary, the available evidence is currently insufficient to determine the role of this variant in disease. Therefore, it has been classified as a Variant of Uncertain Significance.

Ambry Genetics
Classification: Uncertain significance for Inborn genetic diseases. Last evaluated: 2022-03-28. Review status: criteria provided, single submitter. Criteria: Ambry Variant Classification Scheme 2023. Collection method: clinical testing. Allele origin: germline.